The following is an entry in ClinVar:

NM_001048174.2(MUTYH):c.959C>T (p.Pro320Leu)

Gene: MUTYH (mutY DNA glycosylase; minus strand). Cytogenetic location: 1p34.1.
Variant type: single nucleotide variant.
Coding change: c.959C>T on transcript NM_001048174.2 (MANE Select); coding-DNA position 959, C replaced by T.
Protein change: p.Pro320Leu; replaces proline 320 with leucine.
Molecular consequence: missense variant. On other transcripts: non-coding transcript variant (2).
Genome position (GRCh38, 1-based): chr1:45,331,804, G>A on the plus strand (C>T on the coding strand, the complement: MUTYH is on the minus strand). VCF-style: chr1-45331804-G-A. GRCh37 (hg19) VCF-style: chr1-45797476-G-A.
Other names: c.959C>T, p.Pro320Leu (NM_001048171.2, NM_001048173.2, NM_001293195.2); c.962C>T, p.Pro321Leu (NM_001048172.2); c.1043C>T, p.Pro348Leu (NM_001128425.2); c.1004C>T, p.Pro335Leu (NM_001293190.2); c.992C>T, p.Pro331Leu (NM_001293191.2); c.683C>T, p.Pro228Leu (NM_001293192.2, NM_001293196.2); c.614C>T, p.Pro205Leu (NM_001350650.2, NM_001350651.2); c.1034C>T, p.Pro345Leu (NM_012222.3); short protein forms P348L, P331L, P335L, P321L, P345L, P205L, P228L, P320L.
Identifiers: ClinVar variation 245998 (VCV000245998.21), dbSNP rs780178101, ClinGen allele CA060196.

ClinVar aggregate classification (germline): Conflicting classifications of pathogenicity. Review status: criteria provided, conflicting classifications (1 of 4 stars). 4 submissions from 4 submitters: Uncertain significance (3); Likely benign (1). Last evaluated 2025-09-09.

Conditions:
Familial adenomatous polyposis 2. Also called: FAP type 2; MUTYH Polyposis; MUTYH-related attenuated familial adenomatous polyposis; COLORECTAL ADENOMATOUS POLYPOSIS, AUTOSOMAL RECESSIVE; ADENOMAS, MULTIPLE COLORECTAL, AUTOSOMAL RECESSIVE; Adenomas, multiple colorectal. Identifiers: Orphanet 220460, Orphanet 247798, MedGen C3272841, MONDO:0012041, OMIM 608456.
Hereditary cancer-predisposing syndrome. Also called: Tumor predisposition; Hereditary neoplastic syndrome; Neoplastic Syndromes, Hereditary; Hereditary Cancer Syndrome. Identifiers: Orphanet 140162, MedGen C0027672, MeSH D009386, MONDO:0015356.

Allele frequency attached by ClinVar (database versions not stated): ExAC 0.00001; gnomAD exomes 0.00001.
gnomAD v4.1: 15 of 1,611,152 alleles (0.00093%); highest among the groups gnomAD compares: South Asian, 0.0044%; no homozygotes.

Submissions (4):

Ambry Genetics
Classification: Likely benign for Hereditary cancer-predisposing syndrome. Last evaluated: 2025-09-09. Review status: criteria provided, single submitter. Criteria: Ambry Variant Classification Scheme 2023. Collection method: clinical testing. Allele origin: germline.

Labcorp Genetics (formerly Invitae), Labcorp
Classification: Uncertain significance for Familial adenomatous polyposis 2. Last evaluated: 2024-04-29. Review status: criteria provided, single submitter. Criteria: Invitae Variant Classification Sherloc (09022015). Collection method: clinical testing. Allele origin: germline.
Comment: This sequence change replaces proline, which is neutral and non-polar, with leucine, which is neutral and non-polar, at codon 348 of the MUTYH protein (p.Pro348Leu). This variant is present in population databases (rs780178101, gnomAD 0.007%). This variant has not been reported in the literature in individuals affected with MUTYH-related conditions. ClinVar contains an entry for this variant (Variation ID: 245998). An algorithm developed to predict the effect of missense changes on protein structure and function (PolyPhen-2) suggests that this variant is likely to be tolerated. In summary, the available evidence is currently insufficient to determine the role of this variant in disease. Therefore, it has been classified as a Variant of Uncertain Significance.

Color Diagnostics, LLC DBA Color Health
Classification: Uncertain significance for Hereditary cancer-predisposing syndrome. Last evaluated: 2023-12-04. Review status: criteria provided, single submitter. Criteria: ACMG Guidelines, 2015. Collection method: clinical testing. Allele origin: germline.
Comment: This missense variant replaces proline with leucine at codon 348 of the MUTYH protein. Computational prediction suggests that this variant may not impact protein structure and function (internally defined REVEL score threshold <= 0.5, PMID: 27666373). To our knowledge, functional studies have not been reported for this variant. This variant has not been reported in individuals affected with MUTYH-related disorders in the literature. This variant has been identified in 2/244076 chromosomes in the general population by the Genome Aggregation Database (gnomAD). The available evidence is insufficient to determine the role of this variant in disease conclusively. Therefore, this variant is classified as a Variant of Uncertain Significance.

GeneDx
Classification: Uncertain significance. Last evaluated: 2015-10-19. Review status: criteria provided, single submitter. Criteria: GeneDx Variant Classification (06012015). Collection method: clinical testing. Allele origin: germline. Affected: yes.
Comment: This variant is denoted MUTYH c.1043C>T at the cDNA level, p.Pro348Leu (P348L) at the protein level, and results in the change of a Proline to a Leucine (CCC>CTC). This variant has not, to our knowledge, been published in the literature as being pathogenic or benign. MUTYH Pro348Leu was not observed in approximately 6,500 individuals of European and African American ancestry in the NHLBI Exome Sequencing Project, indicating it is not a common benign variant in these populations. Since Proline and Leucine differ in some properties, this is considered a semi-conservative amino acid substitution. MUTYH Pro348Leu occurs at a position that is conserved across species and is not located in a known functional domain (Ruggieri 2013, UniProt). In silico analyses are inconsistent regarding the effect this variant may have on protein structure and function. Based on currently available evidence, it is unclear whether MUTYH Pro348Leu is pathogenic or benign. Of note, MUTYH-Associated Polyposis (MAP) is a recessive condition associated with two pathogenic mutations on opposite chromosomes in MUTYH.

Literature cited by the submitters: PubMed 40738107 (cited by Ambry Genetics).